The following is an entry in ClinVar:

ClinVar aggregate classification (germline): Likely benign. Review status: criteria provided, multiple submitters, no conflicts (2 of 4 stars). 2 submissions from 2 submitters: Likely benign (2). Last evaluated 2025-07-23.

Conditions:
SLC25A46-related disorder. Also called: SLC25A46-related condition.
Neuropathy, hereditary motor and sensory, type 6B (HMSN6B). Also called: HMSN VIB; CHARCOT-MARIE-TOOTH DISEASE, TYPE 6B; Neuropathy, hereditary motor and sensory, type VIB; NEUROPATHY, HEREDITARY MOTOR AND SENSORY, TYPE VIB, WITH OPTIC ATROPHY. Identifiers: MedGen C4225302, MONDO:0014671, OMIM 616505.

Allele frequency attached by ClinVar (database versions not stated): ExAC 0.00001; gnomAD exomes 0.00001; TOPMed 0.00006; gnomAD 0.00007.
gnomAD v4.1: 23 of 1,613,614 alleles (0.0014%); highest among the groups gnomAD compares: African/African-American, 0.016%; no homozygotes.

Submissions (2):

PreventionGenetics, part of Exact Sciences
Classification: Likely benign for SLC25A46-related condition. Last evaluated: 2025-07-23. Review status: criteria provided, single submitter. Criteria: ACMG Guidelines, 2015. Collection method: clinical testing. Allele origin: germline.
Comment: This variant is classified as likely benign based on ACMG/AMP sequence variant interpretation guidelines (Richards et al. 2015 PMID: 25741868, with internal and published modifications).

Labcorp Genetics (formerly Invitae), Labcorp
Classification: Likely benign for Neuropathy, hereditary motor and sensory, type 6B. Last evaluated: 2023-10-24. Review status: criteria provided, single submitter. Criteria: Invitae Variant Classification Sherloc (09022015). Collection method: clinical testing. Allele origin: germline.

NM_138773.4(SLC25A46):c.762T>C (p.His254=)

Gene: SLC25A46 (solute carrier family 25 member 46; plus strand). Cytogenetic location: 5q22.1.
Variant type: single nucleotide variant.
Coding change: c.762T>C on transcript NM_138773.4 (MANE Select); coding-DNA position 762, T replaced by C.
Protein change: p.His254=; no amino-acid change (histidine 254 retained).
Molecular consequence: synonymous variant. On other transcripts: non-coding transcript variant (1), intron variant (1).
Genome position (GRCh38, 1-based): chr5:110,761,287, T>C. VCF-style: chr5-110761287-T-C. GRCh37 (hg19) VCF-style: chr5-110096987-T-C.
Other names: c.489T>C, p.His163= (NM_001303250.3); c.679-160T>C (NM_001303249.3); c.762T>C (NM_138773.3).
Identifiers: ClinVar variation 2062104 (VCV002062104.5), dbSNP rs774040808, ClinGen allele CA3364739.